The following is an entry in ClinVar:

NM_000127.3(EXT1):c.1220del (p.Gln407fs)

Gene: EXT1 (exostosin glycosyltransferase 1; minus strand). Cytogenetic location: 8q24.11.
Variant type: Deletion.
Coding change: c.1220del on transcript NM_000127.3 (MANE Select); coding-DNA position 1220, one base deleted (A; older notation c.1220delA).
Protein change: p.Gln407fs; shifts the reading frame from glutamine 407.
Molecular consequence: frameshift variant.
Genome position (GRCh38, 1-based): chr8:117,830,294, T deleted on the plus strand (A on the coding strand, the reverse complement: EXT1 is on the minus strand). VCF-style (leftmost placement, unchanged base first): chr8-117830293-CT-C. GRCh37 (hg19) VCF-style: chr8-118842532-CT-C.
Other names: short protein forms Q407fs.
Identifiers: ClinVar variation 952851 (VCV000952851.9), dbSNP rs1812077295, ClinGen allele CA1139660732.
Genomic context (GRCh38, chr8:117,830,293, plus strand): 5'-TAGTGTAGTTAATACAATCTTCTCAACTGAAGAAAAATAAGCCTCCCACAAGAATTGTGT[CT>C]GCTGTCTAAGTGCTAGGATTTTATCCTGATGAATAGACCTGATTGTAGAAGGAATCTGTA-3'

ClinVar aggregate classification (germline): Pathogenic (1 of 4 stars; one submission).

Conditions:
Multiple congenital exostosis (EXT). Also called: MULTIPLE CARTILAGINOUS EXOSTOSES; Multiple exostoses; Hereditary multiple exostoses; Hereditary multiple exostosis; Multiple osteochondromas; Hereditary multiple osteochondromas. Identifiers: Orphanet 321, MedGen C0015306, MONDO:0005508, HP:0002762.

Submission:

Labcorp Genetics (formerly Invitae), Labcorp
Classification: Pathogenic for Multiple congenital exostosis. Last evaluated: 2019-05-20. Review status: criteria provided, single submitter. Criteria: Invitae Variant Classification Sherloc (09022015). Collection method: clinical testing. Allele origin: germline.
Comment: For these reasons, this variant has been classified as Pathogenic. Loss-of-function variants in EXT1 are known to be pathogenic (PMID: 10679937, 11391482, 19810120). This variant is not present in population databases (ExAC no frequency). This sequence change creates a premature translational stop signal (p.Gln407Argfs*18) in the EXT1 gene. It is expected to result in an absent or disrupted protein product.

Literature cited by the submitters: PubMed 10679937; PubMed 11391482; PubMed 19810120.